The following is an entry in ClinVar:

ClinVar aggregate classification (germline): Uncertain significance. Review status: criteria provided, multiple submitters, no conflicts (2 of 4 stars). 2 submissions from 2 submitters: Uncertain significance (2). Last evaluated 2026-01-10.

Conditions:
Charcot-Marie-Tooth disease type 2. Also called: Charcot-Marie-Tooth type 2. Identifiers: Orphanet 64746, MedGen C0270914, MONDO:0018993.

Allele frequency attached by ClinVar (database versions not stated): TOPMed 0.00001; gnomAD 0.00001.
gnomAD v4.1: 3 of 1,614,010 alleles (0.00019%); highest among the groups gnomAD compares: African/African-American, 0.0013%; no homozygotes.

Submissions (2):

Labcorp Genetics (formerly Invitae), Labcorp
Classification: Uncertain significance for Charcot-Marie-Tooth disease type 2. Last evaluated: 2026-01-10. Review status: criteria provided, single submitter. Criteria: Invitae Variant Classification Sherloc (09022015). Collection method: clinical testing. Allele origin: germline.
Comment: This sequence change replaces methionine, which is neutral and non-polar, with lysine, which is basic and polar, at codon 809 of the KIF1B protein (p.Met809Lys). This variant is present in population databases (rs745565933, gnomAD 0.004%). This variant has not been reported in the literature in individuals affected with KIF1B-related conditions. ClinVar contains an entry for this variant (Variation ID: 1791096). Invitae Evidence Modeling of protein sequence and biophysical properties (such as structural, functional, and spatial information, amino acid conservation, physicochemical variation, residue mobility, and thermodynamic stability) indicates that this missense variant is not expected to disrupt KIF1B protein function with a negative predictive value of 80%. In summary, the available evidence is currently insufficient to determine the role of this variant in disease. Therefore, it has been classified as a Variant of Uncertain Significance.

Ambry Genetics
Classification: Uncertain significance. Last evaluated: 2025-02-07. Review status: criteria provided, single submitter. Criteria: Ambry Variant Classification Scheme 2023. Collection method: clinical testing. Allele origin: germline.

NM_001365951.3(KIF1B):c.2564T>A (p.Met855Lys)

Gene: KIF1B (kinesin family member 1B; plus strand). Cytogenetic location: 1p36.22.
Variant type: single nucleotide variant.
Coding change: c.2564T>A on transcript NM_001365951.3 (MANE Select); coding-DNA position 2564, T replaced by A.
Protein change: p.Met855Lys; replaces methionine 855 with lysine.
Molecular consequence: missense variant.
Genome position (GRCh38, 1-based): chr1:10,324,784, T>A. VCF-style: chr1-10324784-T-A. GRCh37 (hg19) VCF-style: chr1-10384842-T-A.
Other names: c.2564T>A, p.Met855Lys (NM_001365952.1); c.2426T>A, p.Met809Lys (NM_015074.3); short protein forms M809K, M855K.
Identifiers: ClinVar variation 1791096 (VCV001791096.8), dbSNP rs745565933, ClinGen allele CA581558.